The following is an entry in ClinVar:

NM_032043.3(BRIP1):c.495A>C (p.Glu165Asp)

Gene: BRIP1 (BRCA1 interacting DNA helicase 1; minus strand). Cytogenetic location: 17q23.2.
Variant type: single nucleotide variant.
Coding change: c.495A>C on transcript NM_032043.3 (MANE Select); coding-DNA position 495, A replaced by C.
Protein change: p.Glu165Asp; replaces glutamic acid 165 with aspartic acid.
Molecular consequence: missense variant.
Genome position (GRCh38, 1-based): chr17:61,849,141, T>G on the plus strand (A>C on the coding strand, the complement: BRIP1 is on the minus strand). VCF-style: chr17-61849141-T-G. GRCh37 (hg19) VCF-style: chr17-59926502-T-G.
Other names: short protein forms E165D.
Identifiers: ClinVar variation 489838 (VCV000489838.21), dbSNP rs780024960, ClinGen allele CA8690927.

ClinVar aggregate classification (germline): Uncertain significance. Review status: criteria provided, multiple submitters, no conflicts (2 of 4 stars). 3 submissions from 3 submitters: Uncertain significance (3). Last evaluated 2025-04-08.

Conditions:
Fanconi anemia complementation group J. Also called: BRIP1-Related Fanconi Anemia. Identifiers: Orphanet 84, MedGen C1836860, MONDO:0012187, OMIM 609054.
Familial cancer of breast. Also called: BREAST CANCER, FAMILIAL; hereditary breast carcinoma; Hereditary breast cancer. Identifiers: Orphanet 227535, MedGen C0346153, MONDO:0016419, OMIM 114480. Disease mechanism: loss of function.
Hereditary cancer-predisposing syndrome. Also called: Tumor predisposition; Neoplastic Syndromes, Hereditary; Hereditary Cancer Syndrome; Hereditary neoplastic syndrome. Identifiers: Orphanet 140162, MedGen C0027672, MeSH D009386, MONDO:0015356.

Allele frequency attached by ClinVar (database versions not stated): gnomAD exomes below 0.00001; ExAC 0.00001.
gnomAD v4.1: 3 of 1,613,704 alleles (0.00019%); highest among the groups gnomAD compares: East Asian, 0.0067%; no homozygotes.

Submissions (3):

Labcorp Genetics (formerly Invitae), Labcorp
Classification: Uncertain significance for Familial cancer of breast; Fanconi anemia complementation group J. Last evaluated: 2025-04-08. Review status: criteria provided, single submitter. Criteria: Invitae Variant Classification Sherloc (09022015). Collection method: clinical testing. Allele origin: germline.
Comment: This sequence change replaces glutamic acid, which is acidic and polar, with aspartic acid, which is acidic and polar, at codon 165 of the BRIP1 protein (p.Glu165Asp). This variant is present in population databases (rs780024960, gnomAD 0.006%). This variant has not been reported in the literature in individuals affected with BRIP1-related conditions. ClinVar contains an entry for this variant (Variation ID: 489838). Invitae Evidence Modeling of protein sequence and biophysical properties (such as structural, functional, and spatial information, amino acid conservation, physicochemical variation, residue mobility, and thermodynamic stability) indicates that this missense variant is not expected to disrupt BRIP1 protein function with a negative predictive value of 95%. In summary, the available evidence is currently insufficient to determine the role of this variant in disease. Therefore, it has been classified as a Variant of Uncertain Significance.

Ambry Genetics
Classification: Uncertain significance for Hereditary cancer-predisposing syndrome. Last evaluated: 2024-12-12. Review status: criteria provided, single submitter. Criteria: Ambry Variant Classification Scheme 2023. Collection method: clinical testing. Allele origin: germline.
Comment: The p.E165D variant (also known as c.495A>C), located in coding exon 4 of the BRIP1 gene, results from an A to C substitution at nucleotide position 495. The glutamic acid at codon 165 is replaced by aspartic acid, an amino acid with highly similar properties. This amino acid position is highly conserved in available vertebrate species. In addition, this alteration is predicted to be tolerated by in silico analysis. Since supporting evidence is limited at this time, the clinical significance of this alteration remains unclear.

Color Diagnostics, LLC DBA Color Health
Classification: Uncertain significance for Hereditary cancer-predisposing syndrome. Last evaluated: 2023-12-05. Review status: criteria provided, single submitter. Criteria: ACMG Guidelines, 2015. Collection method: clinical testing. Allele origin: germline.
Comment: This missense variant replaces glutamic acid with aspartic acid at codon 165 of the BRIP1 protein. Computational prediction suggests that this variant may not impact protein structure and function (internally defined REVEL score threshold <= 0.5, PMID: 27666373). To our knowledge, functional studies have not been reported for this variant. This variant has not been reported in individuals affected with BRIP1-related disorders in the literature. This variant has been identified in 1/251352 chromosomes in the general population by the Genome Aggregation Database (gnomAD). The available evidence is insufficient to determine the role of this variant in disease conclusively. Therefore, this variant is classified as a Variant of Uncertain Significance.